The following is an entry in ClinVar:

NM_031475.3(ESPN):c.246C>T (p.His82=)

Gene: ESPN (espin; plus strand). Cytogenetic location: 1p36.31.
Variant type: single nucleotide variant.
Coding change: c.246C>T on transcript NM_031475.3 (MANE Select); coding-DNA position 246, C replaced by T.
Protein change: p.His82=; no amino-acid change (histidine 82 retained).
Molecular consequence: synonymous variant.
Genome position (GRCh38, 1-based): chr1:6,425,201, C>T. VCF-style: chr1-6425201-C-T. GRCh37 (hg19) VCF-style: chr1-6485261-C-T.
Other names: c.246C>T, p.His82= (NM_001367473.1, NM_001367474.1).
Identifiers: ClinVar variation 3373073 (VCV003373073.1).

ClinVar aggregate classification (germline): Uncertain significance (1 of 4 stars; one submission).

gnomAD v4.1: 2 of 1,548,726 alleles (0.00013%); highest among the groups gnomAD compares: South Asian, 0.0012%; no homozygotes.

Submission:

GeneDx
Classification: Uncertain significance. Last evaluated: 2024-04-25. Review status: criteria provided, single submitter. Criteria: GeneDx Variant Classification Process June 2021. Collection method: clinical testing. Allele origin: germline. Affected: yes.
Comment: Not observed at significant frequency in large population cohorts (gnomAD); In silico analysis indicates that this variant does not alter splicing; Has not been previously published as pathogenic or benign to our knowledge